The following is an entry in ClinVar:

ClinVar aggregate classification (germline): Pathogenic (1 of 4 stars; one submission).

Conditions:
Cardiovascular phenotype. Identifiers: MedGen CN230736.

Submission:

Ambry Genetics
Classification: Pathogenic for Cardiovascular phenotype. Last evaluated: 2024-11-21. Review status: criteria provided, single submitter. Criteria: Ambry Variant Classification Scheme 2023. Collection method: clinical testing. Allele origin: germline.
Comment: The c.1208_1226dup19 pathogenic mutation, located in coding exon 10 of the DSP gene, results from a duplication of ACCCCTGCGACAAGAACAT at nucleotide position 1208, causing a translational frameshift with a predicted alternate stop codon (p.M409Ifs*28). This variant is considered to be rare based on population cohorts in the Genome Aggregation Database (gnomAD). This alteration is expected to result in loss of function by premature protein truncation or nonsense-mediated mRNA decay. As such, this alteration is interpreted as a disease-causing mutation.

NM_004415.4(DSP):c.1208_1226dup (p.Met409fs)

Gene: DSP (desmoplakin; plus strand). Cytogenetic location: 6p24.3.
Variant type: Duplication.
Coding change: c.1208_1226dup on transcript NM_004415.4 (MANE Select); coding-DNA positions 1208 to 1226, 19 bases duplicated (ACCCCTGCGACAAGAACAT).
Protein change: p.Met409fs; shifts the reading frame from methionine 409.
Molecular consequence: frameshift variant.
Genome position (GRCh38, 1-based): chr6:7,567,848-7,567,866, ACCCCTGCGACAAGAACAT duplicated; duplicating any 19 consecutive bases within chr6:7,567,847-7,567,866 gives the same sequence; the c. name uses the placement nearest the transcript's 3' end. VCF-style (leftmost placement, unchanged base first): chr6-7567846-G-GTACCCCTGCGACAAGAACA. GRCh37 (hg19) VCF-style: chr6-7568079-G-GTACCCCTGCGACAAGAACA.
Other names: c.1208_1226dup, p.Met409fs (NM_001008844.3, NM_001319034.2, NM_001406591.1); c.1208_1226dupACCCCTGCGACAAGAACAT (NM_004415.2); short protein forms M409fs.
Identifiers: ClinVar variation 3505524 (VCV003505524.1).